The following is an entry in ClinVar:

ClinVar aggregate classification (germline): Uncertain significance (1 of 4 stars; one submission).

Allele frequency attached by ClinVar (database versions not stated): gnomAD exomes below 0.00001; ExAC 0.00001.
gnomAD v4.1: 5 of 1,613,806 alleles (0.00031%); highest among the groups gnomAD compares: East Asian, 0.0022%; no homozygotes.

Submission:

Labcorp Genetics (formerly Invitae), Labcorp
Classification: Uncertain significance. Last evaluated: 2022-05-30. Review status: criteria provided, single submitter. Criteria: Invitae Variant Classification Sherloc (09022015). Collection method: clinical testing. Allele origin: germline.
Comment: This sequence change replaces methionine, which is neutral and non-polar, with valine, which is neutral and non-polar, at codon 90 of the SLC25A12 protein (p.Met90Val). This variant is present in population databases (rs755293232, gnomAD 0.006%). This variant has not been reported in the literature in individuals affected with SLC25A12-related conditions. Algorithms developed to predict the effect of missense changes on protein structure and function (SIFT, PolyPhen-2, Align-GVGD) all suggest that this variant is likely to be tolerated. In summary, the available evidence is currently insufficient to determine the role of this variant in disease. Therefore, it has been classified as a Variant of Uncertain Significance.

NM_003705.5(SLC25A12):c.268A>G (p.Met90Val)

Gene: SLC25A12 (solute carrier family 25 member 12; minus strand). Cytogenetic location: 2q31.1.
Variant type: single nucleotide variant.
Coding change: c.268A>G on transcript NM_003705.5 (MANE Select); coding-DNA position 268, A replaced by G.
Protein change: p.Met90Val; replaces methionine 90 with valine.
Molecular consequence: missense variant.
Genome position (GRCh38, 1-based): chr2:171,855,891, T>C on the plus strand (A>G on the coding strand, the complement: SLC25A12 is on the minus strand). VCF-style: chr2-171855891-T-C. GRCh37 (hg19) VCF-style: chr2-172712401-T-C.
Other names: short protein forms M90V.
Identifiers: ClinVar variation 1958811 (VCV001958811.5), dbSNP rs755293232, ClinGen allele CA1966433.